The following is an entry in ClinVar:

ClinVar aggregate classification (germline): Uncertain significance (1 of 4 stars; one submission).

Submission:

Ambry Genetics
Classification: Uncertain significance. Last evaluated: 2022-12-25. Review status: criteria provided, single submitter. Criteria: Ambry Variant Classification Scheme 2023. Collection method: clinical testing. Allele origin: germline.
Comment: The p.K2359E variant (also known as c.7075A>G), located in coding exon 53 of the PRKDC gene, results from an A to G substitution at nucleotide position 7075. The lysine at codon 2359 is replaced by glutamic acid, an amino acid with similar properties. This amino acid position is conserved. In addition, this alteration is predicted to be tolerated by in silico analysis. Since supporting evidence is limited at this time, the clinical significance of this alteration remains unclear.

NM_006904.7(PRKDC):c.7075A>G (p.Lys2359Glu)

Gene: PRKDC (protein kinase, DNA-activated, catalytic subunit; minus strand). Cytogenetic location: 8q11.21.
Variant type: single nucleotide variant.
Coding change: c.7075A>G on transcript NM_006904.7 (MANE Select); coding-DNA position 7075, A replaced by G.
Protein change: p.Lys2359Glu; replaces lysine 2359 with glutamic acid.
Molecular consequence: missense variant.
Genome position (GRCh38, 1-based): chr8:47,849,434, T>C on the plus strand (A>G on the coding strand, the complement: PRKDC is on the minus strand). VCF-style: chr8-47849434-T-C. GRCh37 (hg19) VCF-style: chr8-48761995-T-C.
Other names: c.7075A>G, p.Lys2359Glu (NM_001081640.2); short protein forms K2359E.
Identifiers: ClinVar variation 2497369 (VCV002497369.2), dbSNP rs2551868727, ClinGen allele CA371157910.